The following is an entry in ClinVar:

ClinVar aggregate classification (germline): Likely benign. Review status: criteria provided, multiple submitters, no conflicts (2 of 4 stars). 6 submissions from 6 submitters: Likely benign (4). 2 of the submissions do not count toward it. Last evaluated 2025-06-27.

Conditions:
Cardiac arrhythmia. Also called: Cardiac rhythm disease; Arrhythmia. Identifiers: MedGen C0003811, MONDO:0007263, HP:0011675.
Cardiovascular phenotype. Identifiers: MedGen CN230736.
Long QT syndrome (LQTS). Identifiers: MedGen C0023976, MeSH D008133, MONDO:0002442. Disease mechanism: loss of function. Inheritance: Various modes of inheritance.

Allele frequency attached by ClinVar (database versions not stated): gnomAD exomes 0.00001 and 0.00002; TOPMed 0.00001; gnomAD 0.00001.
gnomAD v4.1: 33 of 1,532,608 alleles (0.0022%); highest among the groups gnomAD compares: South Asian, 0.0048%; no homozygotes.

Submissions (6):

Labcorp Genetics (formerly Invitae), Labcorp
Classification: Likely benign for Long QT syndrome. Last evaluated: 2025-06-27. Review status: criteria provided, single submitter. Criteria: Invitae Variant Classification Sherloc (09022015). Collection method: clinical testing. Allele origin: germline.

Ambry Genetics
Classification: Likely benign for Cardiovascular phenotype. Last evaluated: 2024-05-17. Review status: criteria provided, single submitter. Criteria: Ambry Variant Classification Scheme 2023. Collection method: clinical testing. Allele origin: germline.

All of Us Research Program, National Institutes of Health
Classification: Likely benign for Long QT syndrome. Last evaluated: 2023-08-15. Review status: criteria provided, single submitter. Criteria: ACMG Guidelines, 2015. Collection method: clinical testing. Allele origin: germline. Inheritance: Autosomal dominant inheritance. Observed: 2 variant alleles, 2 heterozygotes.
Comment: This study involves interpretation of variants in research participants for the purpose of population health screening. Participant phenotype was not available at the time of variant classification. Additional details can be found in publication PMID: 35346344, PMCID: PMC8962531

Color Diagnostics, LLC DBA Color Health
Classification: Likely benign for Arrhythmia. Last evaluated: 2018-10-22. Review status: criteria provided, single submitter. Criteria: ACMG Guidelines, 2015. Collection method: clinical testing. Allele origin: germline.

Clinical Genetics, Academic Medical Center
Classification: Benign. Review status: no assertion criteria provided. Collection method: clinical testing. Allele origin: germline. Affected: yes. Study: VKGL Data-share Consensus. Not counted in ClinVar's aggregate classification.

Joint Genome Diagnostic Labs from Nijmegen and Maastricht, Radboudumc and MUMC+
Classification: Likely benign. Review status: no assertion criteria provided. Collection method: clinical testing. Allele origin: germline. Affected: yes. Study: VKGL Data-share Consensus. Not counted in ClinVar's aggregate classification.

NM_000238.4(KCNH2):c.2778G>A (p.Pro926=)

Gene: KCNH2 (potassium voltage-gated channel subfamily H member 2; minus strand). Cytogenetic location: 7q36.1.
Variant type: single nucleotide variant.
Coding change: c.2778G>A on transcript NM_000238.4 (MANE Select); coding-DNA position 2778, G replaced by A.
Protein change: p.Pro926=; no amino-acid change (proline 926 retained).
Molecular consequence: synonymous variant.
Genome position (GRCh38, 1-based): chr7:150,947,793, C>T on the plus strand (G>A on the coding strand, the complement: KCNH2 is on the minus strand). VCF-style: chr7-150947793-C-T. GRCh37 (hg19) VCF-style: chr7-150644881-C-T.
Other names: c.1758G>A, p.Pro586= (NM_172057.3).
Identifiers: ClinVar variation 527112 (VCV000527112.21), dbSNP rs898987242, ClinGen allele CA169072598.